The following is an entry in ClinVar:

ClinVar aggregate classification (germline): Benign. Review status: criteria provided, multiple submitters, no conflicts (2 of 4 stars). 3 submissions from 2 submitters: Benign (3). Last evaluated 2018-01-12.

Conditions:
Meckel syndrome, type 2 (MKS2). Also called: MKS2-Related Meckel Syndrome; MECKEL-GRUBER SYNDROME, TYPE 2. Identifiers: Orphanet 564, MedGen C1864148, MONDO:0011296, OMIM 603194.
Joubert syndrome 2 (JBTS2). Also called: CEREBELLOOCULORENAL SYNDROME 2. Identifiers: Orphanet 2318, MedGen C1842577, MONDO:0011963, OMIM 608091.

Allele frequency attached by ClinVar (database versions not stated): TOPMed 0.70232; 1000 Genomes Project 0.71965; gnomAD 0.73129; 1000 Genomes Project 30x 0.70987; gnomAD exomes 0.82292.
gnomAD v4.1: 110,021 of 152,372 alleles (72%); highest among the groups gnomAD compares: East Asian, 97%; 43,466 homozygotes.

Submissions (3):

Illumina Laboratory Services, Illumina
Classification: Benign for Joubert syndrome 2. Last evaluated: 2018-01-12. Review status: criteria provided, single submitter. Criteria: ICSL Variant Classification Criteria 13 December 2019. Collection method: clinical testing. Allele origin: germline.
Comment: This variant was observed in the ICSL laboratory as part of a predisposition screen in an ostensibly healthy population. It had not been previously curated by ICSL or reported in the Human Gene Mutation Database (HGMD: prior to June 1st, 2018), and was therefore a candidate for classification through an automated scoring system. Utilizing variant allele frequency, disease prevalence and penetrance estimates, and inheritance mode, an automated score was calculated to assess if this variant is too frequent to cause the disease. Based on the score and internal cut-off values, a variant classified as benign is not then subjected to further curation. The score for this variant resulted in a classification of benign for this disease.

Illumina Laboratory Services, Illumina
Classification: Benign for Meckel syndrome, type 2. Last evaluated: 2018-01-12. Review status: criteria provided, single submitter. Criteria: ICSL Variant Classification Criteria 13 December 2019. Collection method: clinical testing. Allele origin: germline.
Comment: the same text as in the submission from Illumina Laboratory Services, Illumina above.

Breakthrough Genomics
Classification: Benign. Review status: criteria provided, single submitter. Criteria: ACMG Guidelines, 2015. Collection method: not provided. Allele origin: germline. Inheritance: Autosomal recessive inheritance. Affected: yes.

NM_001173990.3(TMEM216):c.*558G>A

Gene: TMEM216 (transmembrane protein 216; plus strand). Cytogenetic location: 11q12.2.
Variant type: single nucleotide variant.
Coding change: c.*558G>A on transcript NM_001173990.3 (MANE Select); 558 bases downstream of the stop codon, G replaced by A.
Molecular consequence: 3 prime UTR variant.
Genome position (GRCh38, 1-based): chr11:61,398,834, G>A. VCF-style: chr11-61398834-G-A. GRCh37 (hg19) VCF-style: chr11-61166306-G-A.
Other names: c.*558G>A (NM_001173991.3, NM_001330285.2, NM_016499.6).
Identifiers: ClinVar variation 305090 (VCV000305090.6), dbSNP rs7607, ClinGen allele CA10631070.
Genomic context (GRCh38, chr11:61,398,834, plus strand): 5'-AGCTCATAGTGTTATTTTTCTACTCTCTTCATGAAACTAACTTTATTTTATAATAAATAT[G>A]TATTTTCTGTTGTGGGGGTTGCAGCCTTTCCTTATGGCACCTGTCCCTAGAATTCATCCA-3'